The following is an entry in ClinVar:

NM_004530.6(MMP2):c.1210G>A (p.Glu404Lys)

Gene: MMP2 (matrix metallopeptidase 2; plus strand). Cytogenetic location: 16q12.2.
Variant type: single nucleotide variant.
Coding change: c.1210G>A on transcript NM_004530.6 (MANE Select); coding-DNA position 1210, G replaced by A.
Protein change: p.Glu404Lys; replaces glutamic acid 404 with lysine.
Molecular consequence: missense variant.
Genome position (GRCh38, 1-based): chr16:55,491,830, G>A. VCF-style: chr16-55491830-G-A. GRCh37 (hg19) VCF-style: chr16-55525742-G-A.
Other names: c.1060G>A, p.Glu354Lys (NM_001127891.3); c.982G>A, p.Glu328Lys (NM_001302508.1, NM_001302509.2, NM_001302510.2); short protein forms E404K, E328K, E354K.
Identifiers: ClinVar variation 17110 (VCV000017110.4), dbSNP rs121912955, ClinGen allele CA127082.

ClinVar aggregate classification (germline): Likely pathogenic. Review status: criteria provided, single submitter (1 of 4 stars). 2 submissions from 2 submitters: Likely pathogenic (1). 1 of the submissions does not count toward it.

Conditions:
Multicentric osteolysis, nodulosis, and arthropathy (MONA). Also called: AL-AQEEL SEWAIRI SYNDROME; OSTEOLYSIS, HEREDITARY MULTICENTRIC; TORG SYNDROME; Torg-Winchester syndrome; NAO SYNDROME. Identifiers: MedGen CN322832, MONDO:0009809, OMIM 259600.

Allele frequency attached by ClinVar (database versions not stated): gnomAD exomes below 0.00001.
gnomAD v4.1: 2 of 1,614,172 alleles (0.00012%); highest among the groups gnomAD compares: South Asian, 0.0011%; no homozygotes.

Submissions (2):

Juno Genomics, Hangzhou Juno Genomics, Inc
Classification: Likely pathogenic for Multicentric osteolysis, nodulosis, and arthropathy. Review status: criteria provided, single submitter. Criteria: ACMG Guidelines, 2015. Collection method: clinical testing. Allele origin: germline. Affected: yes.
Comment: Absent from controls (or at extremely low frequency if recessive) in Genome Aggregation Database, Exome Sequencing Project, 1000 Genomes Project, or Exome Aggregation Consortium.;Multiple lines of computational evidence support a deleterious effect on the gene or gene product (conservation, evolutionary, splicing impact, etc).;For recessive disorders, detected in trans with a pathogenic variant.;Patient's phenotype or family history is highly specific for a disease with a single genetic etiology.

OMIM
Classification: Pathogenic for MULTICENTRIC OSTEOLYSIS, NODULOSIS, AND ARTHROPATHY. Last evaluated: 2005-03-01. Review status: no assertion criteria provided. Collection method: literature only. Allele origin: germline. Not counted in ClinVar's aggregate classification.

Literature cited by the submitters: PubMed 15691365 (cited by OMIM); PubMed 6525336 (cited by OMIM); PubMed 10356396 (cited by OMIM).